The following is an entry in ClinVar:

NM_005751.5(AKAP9):c.1534C>T (p.Leu512Phe)

Gene: AKAP9 (A-kinase anchoring protein 9; plus strand). Cytogenetic location: 7q21.2.
Variant type: single nucleotide variant.
Coding change: c.1534C>T on transcript NM_005751.5 (MANE Select); coding-DNA position 1534, C replaced by T.
Protein change: p.Leu512Phe; replaces leucine 512 with phenylalanine.
Molecular consequence: missense variant.
Genome position (GRCh38, 1-based): chr7:92,001,451, C>T. VCF-style: chr7-92001451-C-T. GRCh37 (hg19) VCF-style: chr7-91630765-C-T.
Other names: c.1534C>T, p.Leu512Phe (NM_147185.3); short protein forms L512F.
Identifiers: ClinVar variation 2449754 (VCV002449754.2), dbSNP rs767454911, ClinGen allele CA368122018.

ClinVar aggregate classification (germline): Uncertain significance (1 of 4 stars; one submission).

Conditions:
Cardiovascular phenotype. Identifiers: MedGen CN230736.

Submission:

Ambry Genetics
Classification: Uncertain significance for Cardiovascular phenotype. Last evaluated: 2022-12-29. Review status: criteria provided, single submitter. Criteria: Ambry Variant Classification Scheme 2023. Collection method: clinical testing. Allele origin: germline.
Comment: The p.L512F variant (also known as c.1534C>T), located in coding exon 8 of the AKAP9 gene, results from a C to T substitution at nucleotide position 1534. The leucine at codon 512 is replaced by phenylalanine, an amino acid with highly similar properties. This amino acid position is conserved. In addition, this alteration is predicted to be tolerated by in silico analysis. Since supporting evidence is limited at this time, the clinical significance of this alteration remains unclear.